The following is an entry in ClinVar:

ClinVar aggregate classification (germline): Benign (1 of 4 stars; one submission).

Allele frequency attached by ClinVar (database versions not stated): 1000 Genomes Project 30x 0.68848; 1000 Genomes Project 0.69489; TOPMed 0.70589; gnomAD 0.71917 and 0.72563.
gnomAD v4.1: 109,959 of 151,294 alleles (73%); highest among the groups gnomAD compares: East Asian, 92%; 44,043 homozygotes.

Submission:

GeneDx
Classification: Benign. Last evaluated: 2018-06-16. Review status: criteria provided, single submitter. Criteria: GeneDx Variant Classification (06012015). Collection method: clinical testing. Allele origin: germline. Affected: yes.
Comment: This variant is considered likely benign or benign based on one or more of the following criteria: it is a conservative change, it occurs at a poorly conserved position in the protein, it is predicted to be benign by multiple in silico algorithms, and/or has population frequency not consistent with disease.

NM_000079.4(CHRNA1):c.44-236C>T

Gene: CHRNA1 (cholinergic receptor nicotinic alpha 1 subunit; minus strand). Cytogenetic location: 2q31.1.
Variant type: single nucleotide variant.
Coding change: c.44-236C>T on transcript NM_000079.4 (MANE Select); 236 bases into the intron before coding-DNA position 44, C replaced by T.
Molecular consequence: intron variant.
Genome position (GRCh38, 1-based): chr2:174,759,869, G>A on the plus strand (C>T on the coding strand, the complement: CHRNA1 is on the minus strand). VCF-style: chr2-174759869-G-A. GRCh37 (hg19) VCF-style: chr2-175624597-G-A.
Other names: c.44-236C>T (NM_001039523.3).
Identifiers: ClinVar variation 679128 (VCV000679128.1), dbSNP rs1376865, ClinGen allele CA11167366.